The following is an entry in ClinVar:

ClinVar aggregate classification (germline): Benign. Review status: criteria provided, multiple submitters, no conflicts (2 of 4 stars). 2 submissions from 2 submitters: Benign (2). Last evaluated 2018-06-19.

Allele frequency attached by ClinVar (database versions not stated): 1000 Genomes Project 0.32009; 1000 Genomes Project 30x 0.32402; TOPMed 0.42730; gnomAD 0.43594 and 0.44170; gnomAD exomes 0.50782.
gnomAD v4.1: 548,575 of 1,103,342 alleles (50%); highest among the groups gnomAD compares: Non-Finnish European, 55%; 143,377 homozygotes.

Submissions (2):

GeneDx
Classification: Benign. Last evaluated: 2018-06-19. Review status: criteria provided, single submitter. Criteria: GeneDx Variant Classification (06012015). Collection method: clinical testing. Allele origin: germline. Affected: yes.
Comment: This variant is considered likely benign or benign based on one or more of the following criteria: it is a conservative change, it occurs at a poorly conserved position in the protein, it is predicted to be benign by multiple in silico algorithms, and/or has population frequency not consistent with disease.

Breakthrough Genomics
Classification: Benign. Review status: criteria provided, single submitter. Criteria: ACMG Guidelines, 2015. Collection method: not provided. Allele origin: germline. Inheritance: Autosomal recessive inheritance. Affected: yes.

NM_005045.4(RELN):c.6302+86G>A

Gene: RELN (reelin; minus strand). Cytogenetic location: 7q22.1.
Variant type: single nucleotide variant.
Coding change: c.6302+86G>A on transcript NM_005045.4 (MANE Select); 86 bases into the intron after coding-DNA position 6302, G replaced by A.
Molecular consequence: intron variant.
Genome position (GRCh38, 1-based): chr7:103,550,981, C>T on the plus strand (G>A on the coding strand, the complement: RELN is on the minus strand). VCF-style: chr7-103550981-C-T. GRCh37 (hg19) VCF-style: chr7-103191428-C-T.
Other names: c.6302+86G>A (NM_173054.3).
Identifiers: ClinVar variation 669134 (VCV000669134.2), dbSNP rs362721, ClinGen allele CA12517210.